The following is an entry in ClinVar:

ClinVar aggregate classification (germline): Pathogenic/Likely pathogenic. Review status: criteria provided, multiple submitters, no conflicts (2 of 4 stars). 3 submissions from 3 submitters: Pathogenic (2); Likely pathogenic (1). Last evaluated 2024-05-08.

Conditions:
Developmental and epileptic encephalopathy 6B. Also called: Developmental and epileptic encephalopathy 6B, non-Dravet. Identifiers: MedGen C5543353, MONDO:0030268, OMIM 619317.
Severe myoclonic epilepsy in infancy (DRVT). Also called: Epileptic encephalopathy, early infantile, 6 (Dravet syndrome); Dravet syndrome; SEVERE MYOCLONIC EPILEPSY OF INFANCY; DEVELOPMENTAL AND EPILEPTIC ENCEPHALOPATHY 6A; Severe Myoclonic Epilepsy in Infancy (SMEI). Identifiers: Orphanet 33069, MedGen C0751122, MONDO:0100135, OMIM 607208.
Migraine, familial hemiplegic, 3. Identifiers: Orphanet 569, MedGen C1864987, MONDO:0012320, OMIM 609634.
Generalized epilepsy with febrile seizures plus, type 2 (GEFSP2). Also called: GEFS+, TYPE 2. Identifiers: Orphanet 36387, MedGen C1858673, MONDO:0011461, OMIM 604403.
Early-infantile DEE. Also called: Early infantile epileptic encephalopathy; Ohtahara syndrome; Early infantile epileptic encephalopathy with suppression bursts. Identifiers: Orphanet 1934, MedGen C0393706, MONDO:0800491.

Submissions (3):

Fulgent Genetics
Classification: Likely pathogenic for Generalized epilepsy with febrile seizures plus, type 2; Severe myoclonic epilepsy in infancy; Migraine, familial hemiplegic, 3; Developmental and epileptic encephalopathy 6B. Last evaluated: 2024-05-08. Review status: criteria provided, single submitter. Criteria: ACMG Guidelines, 2015. Collection method: clinical testing. Allele origin: germline.

Labcorp Genetics (formerly Invitae), Labcorp
Classification: Pathogenic for Early-infantile DEE. Last evaluated: 2022-11-08. Review status: criteria provided, single submitter. Criteria: Invitae Variant Classification Sherloc (09022015). Collection method: clinical testing. Allele origin: germline.
Comment: For these reasons, this variant has been classified as Pathogenic. ClinVar contains an entry for this variant (Variation ID: 206787). This premature translational stop signal has been observed in individual(s) with SCN1A-related conditions (PMID: 29655203). This variant is not present in population databases (gnomAD no frequency). This sequence change creates a premature translational stop signal (p.Gln928*) in the SCN1A gene. It is expected to result in an absent or disrupted protein product. Loss-of-function variants in SCN1A are known to be pathogenic (PMID: 17347258, 18930999).

GeneDx
Classification: Pathogenic. Last evaluated: 2014-04-09. Review status: criteria provided, single submitter. Criteria: GeneDx Variant Classification (06012015). Collection method: clinical testing. Allele origin: germline. Affected: yes.
Comment: p.Gln928Stop (CAA>TAA): c.2782 C>T in exon 15 of the SCN1A gene (NM_001165963.1) The Q928X nonsense mutation in the SCN1A gene is predicted to cause loss of normal protein function either through protein truncation or nonsense-mediated mRNA decay. The variant is found in INFANT-EPI panel(s).

Literature cited by the submitters: PubMed 29655203 (cited by Labcorp Genetics (formerly Invitae), Labcorp); PubMed 17347258 (cited by Labcorp Genetics (formerly Invitae), Labcorp); PubMed 18930999 (cited by Labcorp Genetics (formerly Invitae), Labcorp).

NM_001165963.4(SCN1A):c.2782C>T (p.Gln928Ter)

Gene: SCN1A (sodium voltage-gated channel alpha subunit 1; minus strand). Cytogenetic location: 2q24.3.
Variant type: single nucleotide variant.
Coding change: c.2782C>T on transcript NM_001165963.4 (MANE Select); coding-DNA position 2782, C replaced by T.
Protein change: p.Gln928Ter; replaces glutamine 928 with a stop codon.
Molecular consequence: nonsense. On other transcripts: non-coding transcript variant (1).
Genome position (GRCh38, 1-based): chr2:166,037,940, G>A on the plus strand (C>T on the coding strand, the complement: SCN1A is on the minus strand). VCF-style: chr2-166037940-G-A. GRCh37 (hg19) VCF-style: chr2-166894450-G-A.
Other names: p.Q928*:CAA>TAA; c.2782C>T (NM_001165963.3); c.2698C>T, p.Gln900Ter (NM_001165964.3, NM_001353957.2, NM_001353958.2); c.2782C>T, p.Gln928Ter (NM_001202435.3, NM_001353948.2); c.2749C>T, p.Gln917Ter (NM_001353949.2, NM_001353950.2, NM_001353951.2 and 2 more transcripts); c.2746C>T, p.Gln916Ter (NM_001353954.2, NM_001353955.2); c.2695C>T, p.Gln899Ter (NM_001353960.2); c.340C>T, p.Gln114Ter (NM_001353961.2); short protein forms Q917*, Q928*, Q114*, Q900*, Q899*, Q916*.
Identifiers: ClinVar variation 206787 (VCV000206787.6), dbSNP rs796052985, ClinGen allele CA317311.